The following is an entry in ClinVar:

ClinVar aggregate classification (germline): Uncertain significance (1 of 4 stars; one submission).

Submission:

Dasa
Classification: Uncertain significance. Last evaluated: 2024-12-24. Review status: criteria provided, single submitter. Criteria: DASA Assertion Criteria. Collection method: clinical testing. Allele origin: germline.
Comment: NM_138459.5(NUS1):c.505C>G (p.Pro169Ala) is a missense variant that results in the substitution of proline with alanine. This variant is absent from population databases. Computational prediction algorithms are consistent with a benign effect. The currently available literature and clinical evidence are not sufficient to establish a definitive association between this variant and the reported condition. Therefore, this variant is classified as a variant of uncertain significance.

NM_138459.5(NUS1):c.505C>G (p.Pro169Ala)

Gene: NUS1 (NUS1 dehydrodolichyl diphosphate synthase subunit; plus strand). Cytogenetic location: 6q22.1.
Variant type: single nucleotide variant.
Coding change: c.505C>G on transcript NM_138459.5 (MANE Select); coding-DNA position 505, C replaced by G.
Protein change: p.Pro169Ala; replaces proline 169 with alanine.
Molecular consequence: missense variant.
Genome position (GRCh38, 1-based): chr6:117,693,131, C>G. VCF-style: chr6-117693131-C-G. GRCh37 (hg19) VCF-style: chr6-118014294-C-G.
Other names: short protein forms P169A.
Identifiers: ClinVar variation 5021026 (VCV005021026.1).